The following is an entry in ClinVar:

GRCh38/hg38 12p11.22(chr12:29539481-30093276)x3

Genes: TMTC1 (transmembrane O-mannosyltransferase targeting cadherins 1; minus strand), LOC126861492 (CDK7 strongly-dependent group 2 enhancer GRCh37_chr12:29885622-29886821; plus strand), LOC132090100 (Neanderthal introgressed variant-containing enhancer experimental_28029; plus strand). Cytogenetic location: 12p11.22.
Variant type: copy number gain.
Change: copy number 3 (three copies instead of two) of chr12:29,539,481-30,093,276 (553.8 kb, GRCh38 coordinates, 1-based), cytogenetic band 12p11.22.
Identifiers: ClinVar variation 57098 (VCV000057098.1).

ClinVar aggregate classification (germline): Uncertain significance (1 of 4 stars; one submission).

Submission:

ISCA site 4
Classification: Uncertain significance. Last evaluated: 2011-08-12. Review status: criteria provided, single submitter. Criteria: Kaminsky et al. (Genet Med. 2011). Collection method: clinical testing. Allele origin: unknown. Affected: yes. Observed: 1 variant allele.
Comment: Copy number variation identified through the course of routine clinical cytogenomic testing in postnatal populations. Clinical assertions have been curated as described in Kaminsky et al. 2011.